The following is an entry in ClinVar:

NM_001110556.2(FLNA):c.6539G>A (p.Ser2180Asn)

Gene: FLNA (filamin A; minus strand). Cytogenetic location: Xq28.
Variant type: single nucleotide variant.
Coding change: c.6539G>A on transcript NM_001110556.2 (MANE Select); coding-DNA position 6539, G replaced by A.
Protein change: p.Ser2180Asn; replaces serine 2180 with asparagine.
Molecular consequence: missense variant.
Genome position (GRCh38, 1-based): chrX:154,352,411, C>T on the plus strand (G>A on the coding strand, the complement: FLNA is on the minus strand). VCF-style: chrX-154352411-C-T. GRCh37 (hg19) VCF-style: chrX-153580779-C-T.
Other names: c.6515G>A, p.Ser2172Asn (NM_001456.4); short protein forms S2172N, S2180N.
Identifiers: ClinVar variation 2941469 (VCV002941469.3), dbSNP rs2522720963, ClinGen allele CA415191310.

ClinVar aggregate classification (germline): Uncertain significance (1 of 4 stars; one submission).

Conditions:
Oto-palato-digital syndrome, type II (OPD2). Also called: FACIOPALATOOSSEOUS SYNDROME; OPD II SYNDROME; Otopalatodigital Syndrome, Type II; Otopalatodigital Syndrome Type 2 (FLNA-OPD2). Identifiers: Orphanet 669, Orphanet 90652, MedGen C1844696, MONDO:0010571, OMIM 304120.
Heterotopia, periventricular, X-linked dominant (PVNH1). Also called: PERIVENTRICULAR NODULAR HETEROTOPIA 1; X-linked periventricular heterotopia; PERIVENTRICULAR NODULAR HETEROTOPIA 4; HETEROTOPIA, PERIVENTRICULAR, 1. Identifiers: Orphanet 2149, Orphanet 82004, MedGen C1848213, MONDO:0010233, OMIM 300049.
Frontometaphyseal dysplasia (FMD1). Identifiers: Orphanet 1826, MedGen C0265293, MONDO:0015942.
Melnick-Needles syndrome (MNS). Also called: MELNICK-NEEDLES OSTEODYSPLASTY; OSTEODYSPLASTY OF MELNICK AND NEEDLES; Melnick-Needles Syndrome (FLNA-MNS). Identifiers: Orphanet 2484, MedGen C0025237, MONDO:0010650, OMIM 309350.

Allele frequency attached by ClinVar (database versions not stated): gnomAD exomes below 0.00001.
gnomAD v4.1: 1 of 1,212,005 alleles (0.000083%); highest among the groups gnomAD compares: Non-Finnish European, 0.00011%; no homozygotes.

Submission:

Labcorp Genetics (formerly Invitae), Labcorp
Classification: Uncertain significance for Oto-palato-digital syndrome, type II; Heterotopia, periventricular, X-linked dominant; Frontometaphyseal dysplasia; Melnick-Needles syndrome. Last evaluated: 2023-05-06. Review status: criteria provided, single submitter. Criteria: Invitae Variant Classification Sherloc (09022015). Collection method: clinical testing. Allele origin: germline.
Comment: In summary, the available evidence is currently insufficient to determine the role of this variant in disease. Therefore, it has been classified as a Variant of Uncertain Significance. Advanced modeling of protein sequence and biophysical properties (such as structural, functional, and spatial information, amino acid conservation, physicochemical variation, residue mobility, and thermodynamic stability) performed at Invitae indicates that this missense variant is not expected to disrupt FLNA protein function. This variant has not been reported in the literature in individuals affected with FLNA-related conditions. This variant is not present in population databases (gnomAD no frequency). This sequence change replaces serine, which is neutral and polar, with asparagine, which is neutral and polar, at codon 2172 of the FLNA protein (p.Ser2172Asn).